The following is an entry in ClinVar:

ClinVar aggregate classification (germline): Uncertain significance (1 of 4 stars; one submission).

Conditions:
Intellectual developmental disorder, X-linked 100. Also called: Intellectual disability, X-linked 100. Identifiers: MedGen C3890167, MONDO:0010488, OMIM 300923.

Submission:

Victorian Clinical Genetics Services, Murdoch Childrens Research Institute
Classification: Uncertain significance for Intellectual developmental disorder, X-linked 100. Last evaluated: 2025-04-22. Review status: criteria provided, single submitter. Criteria: ACMG Guidelines, 2015. Collection method: clinical testing. Allele origin: germline. Affected: yes.
Comment: This variant is classified as VUS-3A. Evidence in support of pathogenic classification: Variant is absent from gnomAD (v2, v3 and v4); Missense variant predicted to be damaging by in silico tool(s) or highly conserved with a major amino acid change. Additional information: Variant is predicted to result in a missense amino acid change from cysteine to serine; This variant is hemizygous; This gene is associated with X-linked recessive disease; This variant has no previous evidence of pathogenicity; No published segregation evidence has been identified for this variant; No published functional evidence has been identified for this variant; No comparable missense variants have previous evidence for pathogenicity; Variant is located in the annotated kinesin motor domain (DECIPHER); Loss of function is a known mechanism of disease in this gene and is associated with intellectual developmental disorder 100 (MIM#300923), and is the suggested mechanism for taurodontism, microdontia, and dens invaginatus (MIM#300521).

NM_012310.5(KIF4A):c.47G>C (p.Cys16Ser)

Gene: KIF4A (kinesin family member 4A; plus strand). Cytogenetic location: Xq13.1.
Variant type: single nucleotide variant.
Coding change: c.47G>C on transcript NM_012310.5 (MANE Select); coding-DNA position 47, G replaced by C.
Protein change: p.Cys16Ser; replaces cysteine 16 with serine.
Molecular consequence: missense variant.
Genome position (GRCh38, 1-based): chrX:70,290,505, G>C. VCF-style: chrX-70290505-G-C. GRCh37 (hg19) VCF-style: chrX-69510355-G-C.
Other names: short protein forms C16S.
Identifiers: ClinVar variation 4531345 (VCV004531345.1).